The following is an entry in ClinVar:

ClinVar aggregate classification (germline): Likely benign (1 of 4 stars; one submission).

Allele frequency attached by ClinVar (database versions not stated): gnomAD exomes below 0.00001.
gnomAD v4.1: 1 of 1,613,972 alleles (0.000062%); highest among the groups gnomAD compares: South Asian, 0.0011%; no homozygotes.

Submission:

CeGaT Center for Human Genetics Tuebingen
Classification: Likely benign. Last evaluated: 2023-07-01. Review status: criteria provided, single submitter. Criteria: CeGaT Center For Human Genetics Tuebingen Variant Classification Criteria Version 2. Collection method: clinical testing. Allele origin: germline. Affected: yes. Observed: 1 variant allele.
Comment: TRRAP: PM2:Supporting, BP4, BP7

NM_001375524.1(TRRAP):c.7584C>T (p.Ile2528=)

Gene: TRRAP (transformation/transcription domain associated protein; plus strand). Cytogenetic location: 7q22.1.
Variant type: single nucleotide variant.
Coding change: c.7584C>T on transcript NM_001375524.1 (MANE Select); coding-DNA position 7584, C replaced by T.
Protein change: p.Ile2528=; no amino-acid change (isoleucine 2528 retained).
Molecular consequence: synonymous variant.
Genome position (GRCh38, 1-based): chr7:98,970,183, C>T. VCF-style: chr7-98970183-C-T. GRCh37 (hg19) VCF-style: chr7-98567806-C-T.
Other names: c.7563C>T, p.Ile2521= (NM_001244580.2); c.7509C>T, p.Ile2503= (NM_003496.4).
Identifiers: ClinVar variation 2657708 (VCV002657708.24), dbSNP rs766214183, ClinGen allele CA456666125.